The following is an entry in ClinVar:

NM_001197104.2(KMT2A):c.936A>G (p.Ile312Met)

Gene: KMT2A (lysine methyltransferase 2A; plus strand). Cytogenetic location: 11q23.3.
Variant type: single nucleotide variant.
Coding change: c.936A>G on transcript NM_001197104.2 (MANE Select); coding-DNA position 936, A replaced by G.
Protein change: p.Ile312Met; replaces isoleucine 312 with methionine.
Molecular consequence: missense variant.
Genome position (GRCh38, 1-based): chr11:118,472,095, A>G. VCF-style: chr11-118472095-A-G. GRCh37 (hg19) VCF-style: chr11-118342810-A-G.
Other names: c.936A>G, p.Ile312Met (NM_005933.4); short protein forms I312M.
Identifiers: ClinVar variation 1505580 (VCV001505580.6), dbSNP rs782418763, ClinGen allele CA229521113.
Genomic context (GRCh38, chr11:118,472,095, plus strand): 5'-AGGAAGGAAGGGGGTACAAATTGTACGACGGAGAGGAAGGCCTCCATCAACAGAAAGGAT[A>G]AAGACCCCTTCGGGTCTCCTCATTAATTCTGAACTGGAAAAGCCCCAGAAAGTCCGGAAA-3'
Protein context (NP_001184033.1, residues 302-322): RRGRPPSTER[Ile312Met]KTPSGLLINS

ClinVar aggregate classification (germline): Uncertain significance (1 of 4 stars; one submission).

Allele frequency attached by ClinVar (database versions not stated): gnomAD exomes 0.00001.
gnomAD v4.1: 18 of 1,614,018 alleles (0.0011%); highest among the groups gnomAD compares: Non-Finnish European, 0.0015%; no homozygotes.

Submission:

Labcorp Genetics (formerly Invitae), Labcorp
Classification: Uncertain significance. Last evaluated: 2021-08-04. Review status: criteria provided, single submitter. Criteria: Invitae Variant Classification Sherloc (09022015). Collection method: clinical testing. Allele origin: germline.
Comment: In summary, the available evidence is currently insufficient to determine the role of this variant in disease. Therefore, it has been classified as a Variant of Uncertain Significance. Advanced modeling of protein sequence and biophysical properties (such as structural, functional, and spatial information, amino acid conservation, physicochemical variation, residue mobility, and thermodynamic stability) performed at Invitae indicates that this missense variant is not expected to disrupt KMT2A protein function. This variant has not been reported in the literature in individuals affected with KMT2A-related conditions. This variant is not present in population databases (ExAC no frequency). This sequence change replaces isoleucine with methionine at codon 312 of the KMT2A protein (p.Ile312Met). The isoleucine residue is weakly conserved and there is a small physicochemical difference between isoleucine and methionine.